The following is an entry in ClinVar:

NM_004415.4(DSP):c.8291_8292insTGCT (p.Gln2765fs)

Gene: DSP (desmoplakin; plus strand). Cytogenetic location: 6p24.3.
Variant type: Insertion.
Coding change: c.8291_8292insTGCT on transcript NM_004415.4 (MANE Select); coding-DNA positions 8291 to 8292, TGCT inserted.
Protein change: p.Gln2765fs; shifts the reading frame from glutamine 2765.
Molecular consequence: frameshift variant.
Genome position: GRCh38 VCF-style: chr6-7585550-G-GGCTT. GRCh37 (hg19) VCF-style: chr6-7585783-G-GGCTT.
Other names: c.6494_6495insTGCT, p.Gln2166fs (NM_001008844.3); c.6962_6963insTGCT, p.Gln2322fs (NM_001319034.2); c.8291_8292insTGCT (NM_004415.2); short protein forms Q2166fs, Q2322fs, Q2765fs.
Identifiers: ClinVar variation 1052135 (VCV001052135.10), dbSNP rs756925801, ClinGen allele CA051983.

ClinVar aggregate classification (germline): Conflicting classifications of pathogenicity. Review status: criteria provided, conflicting classifications (1 of 4 stars). 2 submissions from 2 submitters: Likely pathogenic (1); Uncertain significance (1). Last evaluated 2025-07-16.

Conditions:
Cardiovascular phenotype. Identifiers: MedGen CN230736.
Arrhythmogenic cardiomyopathy with wooly hair and keratoderma. Also called: Dilated cardiomyopathy with woolly hair and keratoderma; Arrhythmogenic cardiomyopathy with woolly hair and keratoderma; PALMOPLANTAR KERATODERMA WITH LEFT VENTRICULAR CARDIOMYOPATHY AND WOOLLY HAIR; Carvajal syndrome. Identifiers: Orphanet 65282, MedGen C1854063, MONDO:0011581, OMIM 605676.
Arrhythmogenic right ventricular dysplasia 8 (ARVD8). Also called: Arrhythmogenic Right Ventricular Dysplasia/Cardiomyopathy 8; ARRHYTHMOGENIC RIGHT VENTRICULAR DYSPLASIA, FAMILIAL, 8; ARRHYTHMOGENIC RIGHT VENTRICULAR CARDIOMYOPATHY 8. Identifiers: MedGen C1843896, MONDO:0011831, OMIM 607450.

Submissions (2):

Labcorp Genetics (formerly Invitae), Labcorp
Classification: Likely pathogenic for Arrhythmogenic cardiomyopathy with wooly hair and keratoderma; Arrhythmogenic right ventricular dysplasia 8. Last evaluated: 2025-07-16. Review status: criteria provided, single submitter. Criteria: Invitae Variant Classification Sherloc (09022015). Collection method: clinical testing. Allele origin: germline.
Comment: This sequence change creates a premature translational stop signal (p.Gln2765Alafs*23) in the DSP gene. While this is not anticipated to result in nonsense mediated decay, it is expected to disrupt the last 107 amino acid(s) of the DSP protein. This variant is present in population databases (rs756925801, gnomAD 0.003%). This premature translational stop signal has been observed in individuals with clinical features of arrhythmogenic cardiomyopathy (PMID: 21859740; internal data). ClinVar contains an entry for this variant (Variation ID: 1052135). Experimental studies and prediction algorithms are not available or were not evaluated, and the functional significance of this variant is currently unknown. This variant disrupts a region of the DSP protein in which other variant(s) (p.R2834H) have been observed in individuals with DSP-related conditions (PMID: 16917092). This suggests that this is a clinically significant region of the protein, and that variants that disrupt it are likely to be disease-causing. In summary, the currently available evidence indicates that the variant is pathogenic, but additional data are needed to prove that conclusively. Therefore, this variant has been classified as Likely Pathogenic.

Ambry Genetics
Classification: Uncertain significance for Cardiovascular phenotype. Last evaluated: 2022-12-23. Review status: criteria provided, single submitter. Criteria: Ambry Variant Classification Scheme 2023. Collection method: clinical testing. Allele origin: germline.
Comment: The c.8291_8292insTGCT variant, located in coding exon 24 of the DSP gene, results from an insertion of 4 nucleotides at position 8291, causing a translational frameshift with a predicted alternate stop codon (p.Q2765Afs*23). This alteration occurs at the 3' terminus of theDSP gene, is not expected to trigger nonsense-mediated mRNAdecay, and only impacts the last 107 amino acids (3.7%) of the protein. The exact functional effect of this alteration is unknown. Since supporting evidence is limited at this time, the clinical significance of this alteration remains unclear.

Literature cited by the submitters: PubMed 21859740 (cited by Labcorp Genetics (formerly Invitae), Labcorp and Ambry Genetics); PubMed 16917092 (cited by Labcorp Genetics (formerly Invitae), Labcorp).